The following is an entry in ClinVar:

ClinVar aggregate classification (germline): Benign (1 of 4 stars; one submission).

Allele frequency attached by ClinVar (database versions not stated): 1000 Genomes Project 0.15515; 1000 Genomes Project 30x 0.16365; gnomAD 0.20503 and 0.21467; TOPMed 0.20626.
gnomAD v4.1: 31,000 of 152,100 alleles (20%); highest among the groups gnomAD compares: African/African-American, 35%; 3,985 homozygotes.

Submission:

GeneDx
Classification: Benign. Last evaluated: 2018-06-19. Review status: criteria provided, single submitter. Criteria: GeneDx Variant Classification (06012015). Collection method: clinical testing. Allele origin: germline. Affected: yes.
Comment: This variant is considered likely benign or benign based on one or more of the following criteria: it is a conservative change, it occurs at a poorly conserved position in the protein, it is predicted to be benign by multiple in silico algorithms, and/or has population frequency not consistent with disease.

NM_144670.6(A2ML1):c.2028+207T>C

Gene: A2ML1 (alpha-2-macroglobulin like 1; plus strand). Cytogenetic location: 12p13.31.
Variant type: single nucleotide variant.
Coding change: c.2028+207T>C on transcript NM_144670.6 (MANE Select); 207 bases into the intron after coding-DNA position 2028, T replaced by C.
Molecular consequence: intron variant.
Genome position (GRCh38, 1-based): chr12:8,849,121, T>C. VCF-style: chr12-8849121-T-C. GRCh37 (hg19) VCF-style: chr12-9001717-T-C.
Other names: c.555+207T>C (NM_001282424.3).
Identifiers: ClinVar variation 561560 (VCV000561560.1), dbSNP rs7978604, ClinGen allele CA13681813.